The following is an entry in ClinVar:

ClinVar aggregate classification (germline): Uncertain significance (1 of 4 stars; one submission).

Conditions:
Neurofibromatosis, type 1 (NF1). Also called: VON RECKLINGHAUSEN DISEASE; NEUROFIBROMATOSIS, TYPE I, SOMATIC; Peripheral type neurofibromatosis; Neurofibromatosis, type I. Identifiers: Orphanet 636, MedGen C0027831, MONDO:0018975, OMIM 162200. Disease mechanism: loss of function.

Submission:

Labcorp Genetics (formerly Invitae), Labcorp
Classification: Uncertain significance for Neurofibromatosis, type 1. Last evaluated: 2017-10-31. Review status: criteria provided, single submitter. Criteria: Invitae Variant Classification Sherloc (09022015). Collection method: clinical testing. Allele origin: germline.
Comment: Algorithms developed to predict the effect of missense changes on protein structure and function do not agree on the potential impact of this missense change (SIFT: "Deleterious"; PolyPhen-2: "Possibly Damaging"; Align-GVGD: "Class C0"). This sequence change replaces serine with asparagine at codon 1279 of the NF1 protein (p.Ser1279Asn). The serine residue is highly conserved and there is a small physicochemical difference between serine and asparagine. This variant has not been reported in the literature in individuals with NF1-related disease. This variant is not present in population databases (ExAC no frequency). In summary, the available evidence is currently insufficient to determine the role of this variant in disease. Therefore, it has been classified as a Variant of Uncertain Significance.

NM_001042492.3(NF1):c.3836G>A (p.Ser1279Asn)

Gene: NF1 (neurofibromin 1; plus strand). Cytogenetic location: 17q11.2.
Variant type: single nucleotide variant.
Coding change: c.3836G>A on transcript NM_001042492.3 (MANE Select); coding-DNA position 3836, G replaced by A.
Protein change: p.Ser1279Asn; replaces serine 1279 with asparagine.
Molecular consequence: missense variant.
Genome position (GRCh38, 1-based): chr17:31,235,738, G>A. VCF-style: chr17-31235738-G-A. GRCh37 (hg19) VCF-style: chr17-29562756-G-A.
Other names: c.3836G>A, p.Ser1279Asn (NM_000267.4); short protein forms S1279N.
Identifiers: ClinVar variation 527422 (VCV000527422.5), dbSNP rs1170788683, ClinGen allele CA398992791.
Genomic context (GRCh38, chr17:31,235,738, plus strand): 5'-ACATGTTTTCTAAAGAAGTAGAATTGGCAGACTCCATGCAGACTCTCTTCCGAGGCAACA[G>A]CTTGGCCAGTAAAATAATGACATTCTGTTTCAAGGTTTGTATCATTCATTTTGTGTGTAT-3'
Protein context (NP_001035957.1, residues 1269-1289): DSMQTLFRGN[Ser1279Asn]LASKIMTFCF